The following is an entry in ClinVar:

NM_003620.4(PPM1D):c.1177C>G (p.Leu393Val)

Gene: PPM1D (protein phosphatase, Mg2+/Mn2+ dependent 1D; plus strand). Cytogenetic location: 17q23.2.
Variant type: single nucleotide variant.
Coding change: c.1177C>G on transcript NM_003620.4 (MANE Select); coding-DNA position 1177, C replaced by G.
Protein change: p.Leu393Val; replaces leucine 393 with valine.
Molecular consequence: missense variant.
Genome position (GRCh38, 1-based): chr17:60,656,758, C>G. VCF-style: chr17-60656758-C-G. GRCh37 (hg19) VCF-style: chr17-58734119-C-G.
Other names: short protein forms L393V.
Identifiers: ClinVar variation 3911287 (VCV003911287.3).
Genomic context (GRCh38, chr17:60,656,758, plus strand): 5'-ATCTGCATCTCTCCAGAAGTGGACAATCAGGGAAACTTTACCAATGAAGATGAGTTATAC[C>G]TGAACCTGACTGACAGCCCTTCCTATAATAGTCAAGAAACCTGTGTGATGACTCCTTCCC-3'
Protein context (NP_003611.1, residues 383-403): GNFTNEDELY[Leu393Val]NLTDSPSYNS

ClinVar aggregate classification (germline): Conflicting classifications of pathogenicity. Review status: criteria provided, conflicting classifications (1 of 4 stars). 3 submissions from 3 submitters: Uncertain significance (1); Likely benign (2). Last evaluated 2025-09-10.

Conditions:
Inborn genetic diseases. Identifiers: MedGen C0950123, MeSH D030342.

gnomAD v4.1: 54 of 1,614,044 alleles (0.0033%); highest among the groups gnomAD compares: Middle Eastern, 0.46%; no homozygotes.

Submissions (3):

Labcorp Genetics (formerly Invitae), Labcorp
Classification: Uncertain significance. Last evaluated: 2025-09-10. Review status: criteria provided, single submitter. Criteria: Invitae Variant Classification Sherloc (09022015). Collection method: clinical testing. Allele origin: germline.
Comment: This sequence change replaces leucine, which is neutral and non-polar, with valine, which is neutral and non-polar, at codon 393 of the PPM1D protein (p.Leu393Val). This variant is present in population databases (rs771831676, gnomAD 0.08%). This variant has not been reported in the literature in individuals affected with PPM1D-related conditions. ClinVar contains an entry for this variant (Variation ID: 3911287). An algorithm developed to predict the effect of missense changes on protein structure and function (PolyPhen-2) suggests that this variant is likely to be tolerated. In summary, the available evidence is currently insufficient to determine the role of this variant in disease. Therefore, it has been classified as a Variant of Uncertain Significance.

Ambry Genetics
Classification: Likely benign for Inborn genetic diseases. Last evaluated: 2025-07-02. Review status: criteria provided, single submitter. Criteria: Ambry Variant Classification Scheme 2023. Collection method: clinical testing. Allele origin: germline.

Laboratory of Genetics, Children's Clinical University Hospital Latvia
Classification: Likely benign. Last evaluated: 2025-02-16. Review status: criteria provided, single submitter. Criteria: ACMG Guidelines, 2015. Collection method: clinical testing. Allele origin: germline. Affected: yes.